The following is an entry in ClinVar:

ClinVar aggregate classification (germline): Uncertain significance. Review status: criteria provided, multiple submitters, no conflicts (2 of 4 stars). 2 submissions from 2 submitters: Uncertain significance (2). Last evaluated 2025-12-27.

Allele frequency attached by ClinVar (database versions not stated): ExAC 0.00007; TOPMed 0.00016; ESP Exome Variant Server 0.00023; gnomAD exomes 0.00006; gnomAD 0.00011.
gnomAD v4.1: 115 of 1,613,406 alleles (0.0071%); highest among the groups gnomAD compares: Admixed American, 0.027%; no homozygotes.

Submissions (2):

Labcorp Genetics (formerly Invitae), Labcorp
Classification: Uncertain significance. Last evaluated: 2025-12-27. Review status: criteria provided, single submitter. Criteria: Invitae Variant Classification Sherloc (09022015). Collection method: clinical testing. Allele origin: germline.
Comment: This sequence change replaces isoleucine, which is neutral and non-polar, with leucine, which is neutral and non-polar, at codon 268 of the SLCO5A1 protein (p.Ile268Leu). This variant is present in population databases (rs149290791, gnomAD 0.02%). This variant has not been reported in the literature in individuals affected with SLCO5A1-related conditions. ClinVar contains an entry for this variant (Variation ID: 2889056). An algorithm developed to predict the effect of missense changes on protein structure and function (PolyPhen-2) suggests that this variant is likely to be tolerated. In summary, the available evidence is currently insufficient to determine the role of this variant in disease. Therefore, it has been classified as a Variant of Uncertain Significance.

Ambry Genetics
Classification: Uncertain significance. Last evaluated: 2024-07-25. Review status: criteria provided, single submitter. Criteria: Ambry Variant Classification Scheme 2023. Collection method: clinical testing. Allele origin: germline.

NM_030958.3(SLCO5A1):c.802A>C (p.Ile268Leu)

Gene: SLCO5A1 (solute carrier organic anion transporter family member 5A1; minus strand). Cytogenetic location: 8q13.3.
Variant type: single nucleotide variant.
Coding change: c.802A>C on transcript NM_030958.3 (MANE Select); coding-DNA position 802, A replaced by C.
Protein change: p.Ile268Leu; replaces isoleucine 268 with leucine.
Molecular consequence: missense variant.
Genome position (GRCh38, 1-based): chr8:69,831,872, T>G on the plus strand (A>C on the coding strand, the complement: SLCO5A1 is on the minus strand). VCF-style: chr8-69831872-T-G. GRCh37 (hg19) VCF-style: chr8-70744107-T-G.
Other names: c.802A>C (NM_030958.2); c.802A>C, p.Ile268Leu (NM_001146008.2, NM_001146009.1); short protein forms I268L.
Identifiers: ClinVar variation 2889056 (VCV002889056.4), dbSNP rs149290791, ClinGen allele CA4776742.